The following is an entry in ClinVar:

NM_177438.3(DICER1):c.1374C>A (p.Asn458Lys)

Gene: DICER1 (dicer 1, ribonuclease III; minus strand). Cytogenetic location: 14q32.13.
Variant type: single nucleotide variant.
Coding change: c.1374C>A on transcript NM_177438.3 (MANE Select); coding-DNA position 1374, C replaced by A.
Protein change: p.Asn458Lys; replaces asparagine 458 with lysine.
Molecular consequence: missense variant. On other transcripts: non-coding transcript variant (6), 5 prime UTR variant (1).
Genome position (GRCh38, 1-based): chr14:95,124,198, G>T on the plus strand (C>A on the coding strand, the complement: DICER1 is on the minus strand). VCF-style: chr14-95124198-G-T. GRCh37 (hg19) VCF-style: chr14-95590535-G-T.
Other names: c.1374C>A, p.Asn458Lys (NM_001195573.1, NM_001271282.3, NM_001291628.2 and 15 more transcripts); c.1092C>A, p.Asn364Lys (NM_001395686.1); c.969C>A, p.Asn323Lys (NM_001395687.1, NM_001395688.1, NM_001395689.1 and 3 more transcripts); c.807C>A, p.Asn269Lys (NM_001395691.1); c.-195C>A (NM_001395697.1); short protein forms N364K, N323K, N269K, N458K.
Identifiers: ClinVar variation 2703879 (VCV002703879.3), dbSNP rs2543170398, ClinGen allele CA390886111.

ClinVar aggregate classification (germline): Uncertain significance (1 of 4 stars; one submission).

Conditions:
DICER1-related tumor predisposition. Also called: DICER1 syndrome; DICER1-related pleuropulmonary blastoma cancer predisposition syndrome. Identifiers: Orphanet 284343, MedGen C3839822, MONDO:0100216.

Submission:

Labcorp Genetics (formerly Invitae), Labcorp
Classification: Uncertain significance for DICER1-related tumor predisposition. Last evaluated: 2023-12-18. Review status: criteria provided, single submitter. Criteria: Invitae Variant Classification Sherloc (09022015). Collection method: clinical testing. Allele origin: germline.
Comment: This sequence change replaces asparagine, which is neutral and polar, with lysine, which is basic and polar, at codon 458 of the DICER1 protein (p.Asn458Lys). This variant is not present in population databases (gnomAD no frequency). This variant has not been reported in the literature in individuals affected with DICER1-related conditions. An algorithm developed to predict the effect of missense changes on protein structure and function (PolyPhen-2) suggests that this variant is likely to be disruptive. In summary, the available evidence is currently insufficient to determine the role of this variant in disease. Therefore, it has been classified as a Variant of Uncertain Significance.